The following is an entry in ClinVar:

ClinVar aggregate classification (germline): Uncertain significance (1 of 4 stars; one submission).

Conditions:
Bethlem myopathy 1A. Also called: MYOPATHY, BENIGN CONGENITAL, WITH CONTRACTURES; Bethlem myopathy 1; Bethlem Muscular Dystrophy. Identifiers: Orphanet 610, MedGen CN029274, MONDO:0024530, OMIM 158810.

Submission:

Labcorp Genetics (formerly Invitae), Labcorp
Classification: Uncertain significance for Bethlem myopathy 1A. Last evaluated: 2025-06-04. Review status: criteria provided, single submitter. Criteria: Invitae Variant Classification Sherloc (09022015). Collection method: clinical testing. Allele origin: germline.
Comment: This sequence change replaces glutamine, which is neutral and polar, with leucine, which is neutral and non-polar, at codon 671 of the COL6A1 protein (p.Gln671Leu). This variant is not present in population databases (gnomAD no frequency). This variant has not been reported in the literature in individuals affected with COL6A1-related conditions. Invitae Evidence Modeling of protein sequence and biophysical properties (such as structural, functional, and spatial information, amino acid conservation, physicochemical variation, residue mobility, and thermodynamic stability) indicates that this missense variant is not expected to disrupt COL6A1 protein function with a negative predictive value of 95%. In summary, the available evidence is currently insufficient to determine the role of this variant in disease. Therefore, it has been classified as a Variant of Uncertain Significance.

NM_001848.3(COL6A1):c.2012A>T (p.Gln671Leu)

Gene: COL6A1 (collagen type VI alpha 1 chain; plus strand). Cytogenetic location: 21q22.3.
Variant type: single nucleotide variant.
Coding change: c.2012A>T on transcript NM_001848.3 (MANE Select); coding-DNA position 2012, A replaced by T.
Protein change: p.Gln671Leu; replaces glutamine 671 with leucine.
Molecular consequence: missense variant.
Genome position (GRCh38, 1-based): chr21:46,002,016, A>T. VCF-style: chr21-46002016-A-T. GRCh37 (hg19) VCF-style: chr21-47421930-A-T.
Other names: short protein forms Q671L.
Identifiers: ClinVar variation 4717287 (VCV004717287.1).